The following is an entry in ClinVar:

NM_001195248.2(APTX):c.1003C>T (p.His335Tyr)

Gene: APTX (aprataxin; minus strand). Cytogenetic location: 9p21.1.
Variant type: single nucleotide variant.
Coding change: c.1003C>T on transcript NM_001195248.2 (MANE Select); coding-DNA position 1003, C replaced by T.
Protein change: p.His335Tyr; replaces histidine 335 with tyrosine.
Molecular consequence: missense variant. On other transcripts: 3 prime UTR variant (4), non-coding transcript variant (13).
Genome position (GRCh38, 1-based): chr9:32,973,524, G>A on the plus strand (C>T on the coding strand, the complement: APTX is on the minus strand). VCF-style: chr9-32973524-G-A. GRCh37 (hg19) VCF-style: chr9-32973522-G-A.
Other names: c.1003C>T, p.His335Tyr (NM_001195249.2, NM_001368995.1, NM_001368996.1 and 3 more transcripts); c.841C>T, p.His281Tyr (NM_001195250.2, NM_001195254.2, NM_001369000.1 and 1 more transcripts); c.*160C>T (NM_001195251.2, NM_001368999.1, NM_001369006.1 and 1 more transcripts); c.787C>T, p.His263Tyr (NM_001195252.2); c.739C>T, p.His247Tyr (NM_001369002.1, NM_001369003.1, NM_001369004.1 and 4 more transcripts); short protein forms H247Y, H263Y, H281Y, H335Y.
Identifiers: ClinVar variation 994778 (VCV000994778.4), dbSNP rs1828537508, ClinGen allele CA373173327.

ClinVar aggregate classification (germline): Uncertain significance. Review status: criteria provided, multiple submitters, no conflicts (2 of 4 stars). 2 submissions from 2 submitters: Uncertain significance (2). Last evaluated 2022-12-07.

Submissions (2):

Illumina Laboratory Services, Illumina
Classification: Uncertain significance. Last evaluated: 2022-12-07. Review status: criteria provided, single submitter. Criteria: ICSL CNVClassificationCriteria Aug2020. Collection method: clinical testing. Allele origin: unknown. Affected: yes.
Comment: The APTX c.1003C>T (p.His335Tyr) missense variant results in the substitution of histidine at amino acid position 335 with tyrosine. To our knowledge, this variant has not been reported in the peer-reviewed literature. This variant is not found in version 2.1.1 or version 3.1.2 of the Genome Aggregation Database. The c.1003C>T variant lies within the ZNF domain, thought to be important in substrate specificity with His335 as one of four zinc binding residues (PMID: 25637650). Multiple lines of computational evidence suggest the variant may have a deleterious effect on the gene or gene product. Based on the available evidence, the c.1003C>T (p.His335Tyr) variant is classified as a variant of uncertain significance for ataxia with oculomotor apraxia.

Athena Diagnostics
Classification: Uncertain significance. Last evaluated: 2019-11-08. Review status: criteria provided, single submitter. Criteria: Athena Diagnostics Criteria. Collection method: clinical testing. Allele origin: unknown.

Literature cited by the submitters: PubMed 25637650 (cited by Illumina Laboratory Services, Illumina).